The following is an entry in ClinVar:

ClinVar aggregate classification (germline): Uncertain significance (1 of 4 stars; one submission).

Submission:

GeneDx
Classification: Uncertain significance. Last evaluated: 2023-07-01. Review status: criteria provided, single submitter. Criteria: GeneDx Variant Classification Process June 2021. Collection method: clinical testing. Allele origin: germline. Affected: yes.
Comment: Has not been previously published as pathogenic or benign to our knowledge; Not observed at significant frequency in large population cohorts (gnomAD); In silico analysis supports that this missense variant has a deleterious effect on protein structure/function

NM_004793.4(LONP1):c.1823T>C (p.Leu608Pro)

Gene: LONP1 (lon peptidase 1, mitochondrial; minus strand). Cytogenetic location: 19p13.3.
Variant type: single nucleotide variant.
Coding change: c.1823T>C on transcript NM_004793.4 (MANE Select); coding-DNA position 1823, T replaced by C.
Protein change: p.Leu608Pro; replaces leucine 608 with proline.
Molecular consequence: missense variant. On other transcripts: non-coding transcript variant (1).
Genome position (GRCh38, 1-based): chr19:5,696,322, A>G on the plus strand (T>C on the coding strand, the complement: LONP1 is on the minus strand). VCF-style: chr19-5696322-A-G. GRCh37 (hg19) VCF-style: chr19-5696333-A-G.
Other names: c.1631T>C, p.Leu544Pro (NM_001276479.2); c.1235T>C, p.Leu412Pro (NM_001276480.1); short protein forms L412P, L544P, L608P.
Identifiers: ClinVar variation 3360645 (VCV003360645.1).